The following is an entry in ClinVar:

ClinVar aggregate classification (germline): Uncertain significance (1 of 4 stars; one submission).

Conditions:
FLNC-related disorder. Also called: FLNC-related condition; FLNC-related disorders.

Submission:

PreventionGenetics, part of Exact Sciences
Classification: Uncertain significance for FLNC-related condition. Last evaluated: 2023-06-01. Review status: criteria provided, single submitter. Criteria: ACMG Guidelines, 2015. Collection method: clinical testing. Allele origin: germline.
Comment: The FLNC c.3776G>A variant is predicted to result in the amino acid substitution p.Gly1259Asp. To our knowledge, this variant has not been reported in the literature or in a large population database, indicating this variant is rare. Although we suspect that this variant may be pathogenic, at this time, the clinical significance of this variant is uncertain due to the absence of conclusive functional and genetic evidence.

NM_001458.5(FLNC):c.3776G>A (p.Gly1259Asp)

Gene: FLNC (filamin C; plus strand). Cytogenetic location: 7q32.1.
Variant type: single nucleotide variant.
Coding change: c.3776G>A on transcript NM_001458.5 (MANE Select); coding-DNA position 3776, G replaced by A.
Protein change: p.Gly1259Asp; replaces glycine 1259 with aspartic acid.
Molecular consequence: missense variant.
Genome position (GRCh38, 1-based): chr7:128,845,241, G>A. VCF-style: chr7-128845241-G-A. GRCh37 (hg19) VCF-style: chr7-128485295-G-A.
Other names: c.3776G>A, p.Gly1259Asp (NM_001127487.2); short protein forms G1259D.
Identifiers: ClinVar variation 2633074 (VCV002633074.1), dbSNP rs2536638737, ClinGen allele CA369198036.
Genomic context (GRCh38, chr7:128,845,241, plus strand): 5'-CCACCCGTGTCCATGTGCAGCCTGCGGTCGATACCAGTGGCGTCAAGGTCTCAGGGCCTG[G>A]TGTTGAGCCACACGGTGAGTGGACAGGAGGAGCCAAGAAAGGTCAAGTGGCAGGTGCAGG-3'
Protein context (NP_001449.3, residues 1249-1269): DTSGVKVSGP[Gly1259Asp]VEPHGVLREV